The following is an entry in ClinVar:

ClinVar aggregate classification (germline): Uncertain significance (1 of 4 stars; one submission).

Conditions:
Glycogen storage disease, type II (IOPD). Also called: GLYCOGENOSIS, GENERALIZED, CARDIAC FORM; GSD II; CARDIOMEGALIA GLYCOGENICA DIFFUSA; Glycogen storage disease type 2; Acid maltase deficiency disease; Aglucosidase alfa. Identifiers: Orphanet 365, MedGen C0017921, MONDO:0009290, OMIM 232300.

Allele frequency attached by ClinVar (database versions not stated): gnomAD exomes below 0.00001; TOPMed below 0.00001.
gnomAD v4.1: 2 of 1,595,134 alleles (0.00013%); highest among the groups gnomAD compares: Non-Finnish European, 0.00017%; no homozygotes.

Submission:

Labcorp Genetics (formerly Invitae), Labcorp
Classification: Uncertain significance for Glycogen storage disease, type II. Last evaluated: 2024-09-23. Review status: criteria provided, single submitter. Criteria: Invitae Variant Classification Sherloc (09022015). Collection method: clinical testing. Allele origin: germline.
Comment: This sequence change replaces methionine, which is neutral and non-polar, with valine, which is neutral and non-polar, at codon 439 of the GAA protein (p.Met439Val). This variant is not present in population databases (gnomAD no frequency). This variant has not been reported in the literature in individuals affected with GAA-related conditions. ClinVar contains an entry for this variant (Variation ID: 2139577). Invitae Evidence Modeling of protein sequence and biophysical properties (such as structural, functional, and spatial information, amino acid conservation, physicochemical variation, residue mobility, and thermodynamic stability) indicates that this missense variant is not expected to disrupt GAA protein function with a negative predictive value of 95%. This variant disrupts the p.Met439 amino acid residue in GAA. Other variant(s) that disrupt this residue have been determined to be pathogenic (PMID: 17092519, 20202878, 23884227, 25213570, 29124014). This suggests that this residue is clinically significant, and that variants that disrupt this residue are likely to be disease-causing. In summary, the available evidence is currently insufficient to determine the role of this variant in disease. Therefore, it has been classified as a Variant of Uncertain Significance.

Literature cited by the submitters: PubMed 17092519; PubMed 20202878; PubMed 23884227; PubMed 25213570; PubMed 29124014.

NM_000152.5(GAA):c.1315A>G (p.Met439Val)

Gene: GAA (alpha glucosidase; plus strand). Cytogenetic location: 17q25.3.
Variant type: single nucleotide variant.
Coding change: c.1315A>G on transcript NM_000152.5 (MANE Select); coding-DNA position 1315, A replaced by G.
Protein change: p.Met439Val; replaces methionine 439 with valine.
Molecular consequence: missense variant.
Genome position (GRCh38, 1-based): chr17:80,108,817, A>G. VCF-style: chr17-80108817-A-G. GRCh37 (hg19) VCF-style: chr17-78082616-A-G.
Other names: c.1315A>G, p.Met439Val (NM_001079803.3, NM_001079804.3, NM_001406741.1 and 1 more transcripts); short protein forms M439V.
Identifiers: ClinVar variation 2139577 (VCV002139577.2), dbSNP rs959885349, ClinGen allele CA294892660.